The following is an entry in ClinVar:

ClinVar aggregate classification (germline): Uncertain significance (1 of 4 stars; one submission).

Allele frequency attached by ClinVar (database versions not stated): gnomAD exomes below 0.00001.
gnomAD v4.1: 1 of 1,612,710 alleles (0.000062%); highest among the groups gnomAD compares: Non-Finnish European, 0.000085%; no homozygotes.

Submission:

Labcorp Genetics (formerly Invitae), Labcorp
Classification: Uncertain significance. Last evaluated: 2021-09-21. Review status: criteria provided, single submitter. Criteria: Invitae Variant Classification Sherloc (09022015). Collection method: clinical testing. Allele origin: germline.
Comment: This sequence change replaces phenylalanine with leucine at codon 754 of the ADAMTSL4 protein (p.Phe754Leu). The phenylalanine residue is highly conserved and there is a small physicochemical difference between phenylalanine and leucine. This variant is not present in population databases (ExAC no frequency). This variant has not been reported in the literature in individuals affected with ADAMTSL4-related conditions. Algorithms developed to predict the effect of missense changes on protein structure and function are either unavailable or do not agree on the potential impact of this missense change (SIFT: "Deleterious"; PolyPhen-2: "Probably Damaging"; Align-GVGD: "Class C15"). In summary, the available evidence is currently insufficient to determine the role of this variant in disease. Therefore, it has been classified as a Variant of Uncertain Significance.

NM_019032.6(ADAMTSL4):c.2260T>C (p.Phe754Leu)

Gene: ADAMTSL4 (ADAMTS like 4; plus strand). Cytogenetic location: 1q21.2.
Variant type: single nucleotide variant.
Coding change: c.2260T>C on transcript NM_019032.6 (MANE Select); coding-DNA position 2260, T replaced by C.
Protein change: p.Phe754Leu; replaces phenylalanine 754 with leucine.
Molecular consequence: missense variant.
Genome position (GRCh38, 1-based): chr1:150,558,027, T>C. VCF-style: chr1-150558027-T-C. GRCh37 (hg19) VCF-style: chr1-150530503-T-C.
Other names: c.2143T>C, p.Phe715Leu (NM_001288607.2); c.2329T>C, p.Phe777Leu (NM_001288608.2); c.2260T>C, p.Phe754Leu (NM_001378596.1, NM_025008.5); short protein forms F777L, F715L, F754L.
Identifiers: ClinVar variation 1466212 (VCV001466212.3), dbSNP rs2101647357, ClinGen allele CA342314764.